The following is an entry in ClinVar:

ClinVar aggregate classification (germline): Conflicting classifications of pathogenicity. Review status: criteria provided, conflicting classifications (1 of 4 stars). 3 submissions from 3 submitters: Likely pathogenic (1); Uncertain significance (2). Last evaluated 2024-12-12.

Conditions:
Breast-ovarian cancer, familial, susceptibility to, 3. Also called: RAD51C-Related Breast/Ovarian Cancer. Identifiers: Orphanet 145, MedGen C3150659, MONDO:0013253, OMIM 613399.
Fanconi anemia complementation group O. Also called: RAD51C-Related Fanconi Anemia. Identifiers: Orphanet 84, MedGen C3150653, MONDO:0013248, OMIM 613390.

Allele frequency attached by ClinVar (database versions not stated): gnomAD exomes below 0.00001.
gnomAD v4.1: 1 of 1,614,188 alleles (0.000062%); highest among the groups gnomAD compares: Non-Finnish European, 0.000085%; no homozygotes.

Submissions (3):

Myriad Genetics, Inc.
Classification: Likely pathogenic for Breast-ovarian cancer, familial, susceptibility to, 3. Last evaluated: 2024-12-12. Review status: criteria provided, single submitter. Criteria: Myriad Autosomal Dominant, Autosomal Recessive and X-Linked Classification Criteria (2023). Collection method: clinical testing. Allele origin: unknown.
Comment: This variant is considered likely pathogenic. Functional studies indicate this variant impacts protein function [PMID: 33333735, 39299233].

Labcorp Genetics (formerly Invitae), Labcorp
Classification: Uncertain significance for Fanconi anemia complementation group O. Last evaluated: 2020-05-25. Review status: criteria provided, single submitter. Criteria: Invitae Variant Classification Sherloc (09022015). Collection method: clinical testing. Allele origin: germline.
Comment: In summary, the available evidence is currently insufficient to determine the role of this variant in disease. Therefore, it has been classified as a Variant of Uncertain Significance. Algorithms developed to predict the effect of sequence changes on RNA splicing suggest that this variant may disrupt the consensus splice site, but this prediction has not been confirmed by published transcriptional studies. This variant has not been reported in the literature in individuals with RAD51C-related conditions. ClinVar contains an entry for this variant (Variation ID: 418442). This variant is not present in population databases (ExAC no frequency). This sequence change falls in intron 2 of the RAD51C gene. It does not directly change the encoded amino acid sequence of the RAD51C protein.

GeneDx
Classification: Uncertain significance. Last evaluated: 2014-10-16. Review status: criteria provided, single submitter. Criteria: GeneDx Variant Classification (06012015). Collection method: clinical testing. Allele origin: germline. Affected: yes.
Comment: This variant is denoted RAD51C c.405-6T>A or IVS2-6T>A and consists of a T>A nucleotide substitution at the -6 position of intron 2 of the RAD51C gene. Multiple in silico models predict this variant to damage the nearby natural acceptor site, and to possibly cause abnormal gene splicing. This variant has not, to our knowledge, been published in the literature as pathogenic or benign. RAD51C c.405-6 T>A was not observed in approximately 6,500 individuals of European and African American ancestry in the NHLBI Exome Sequencing Project, indicating it is not a common benign variant in these populations. The thymine (T) nucleotide that is altered is conserved across species. Based on currently available information, it is unclear whether RAD51C c.405-6T>A is pathogenic or benign. We consider it to be a variant of uncertain significance.

Literature cited by the submitters: PubMed 33333735 (cited by Myriad Genetics, Inc.); PubMed 39299233 (cited by Myriad Genetics, Inc.).

NM_058216.3(RAD51C):c.405-6T>A

Gene: RAD51C (RAD51 paralog C; plus strand). Cytogenetic location: 17q22.
Variant type: single nucleotide variant.
Coding change: c.405-6T>A on transcript NM_058216.3 (MANE Select); 6 bases into the intron before coding-DNA position 405, T replaced by A.
Molecular consequence: intron variant.
Genome position (GRCh38, 1-based): chr17:58,696,687, T>A. VCF-style: chr17-58696687-T-A. GRCh37 (hg19) VCF-style: chr17-56774048-T-A.
Other names: c.405-6T>A (LRG_314t1).
Identifiers: ClinVar variation 418442 (VCV000418442.12), dbSNP rs1064793245, ClinGen allele CA16620496.
Genomic context (GRCh38, chr17:58,696,687, plus strand): 5'-GGAGTTCAAAAACACTACCTTAGATCATCATCATGATTTGGTTGTTTGTCATCTTTCTGT[T>A]GACAGTATGCAGTTGGCAGTAGATGTGCAGATACCAGAATGTTTTGGAGGAGTGGCAGGT-3'